The following is an entry in ClinVar:

NM_003500.4(ACOX2):c.1700C>T (p.Ala567Val)

Gene: ACOX2 (acyl-CoA oxidase 2; minus strand). Cytogenetic location: 3p14.3.
Variant type: single nucleotide variant.
Coding change: c.1700C>T on transcript NM_003500.4 (MANE Select); coding-DNA position 1700, C replaced by T.
Protein change: p.Ala567Val; replaces alanine 567 with valine.
Molecular consequence: missense variant.
Genome position (GRCh38, 1-based): chr3:58,517,356, G>A on the plus strand (C>T on the coding strand, the complement: ACOX2 is on the minus strand). VCF-style: chr3-58517356-G-A. GRCh37 (hg19) VCF-style: chr3-58503083-G-A.
Other names: c.1700C>T (NM_003500.3); short protein forms A567V.
Identifiers: ClinVar variation 2191149 (VCV002191149.6), dbSNP rs538107717, ClinGen allele CA2471976.

ClinVar aggregate classification (germline): Uncertain significance. Review status: criteria provided, single submitter (1 of 4 stars). 2 submissions from 2 submitters: Uncertain significance (1). 1 of the submissions does not count toward it. Last evaluated 2025-01-13.

Conditions:
ACOX2-related disorder. Also called: ACOX2-related condition.

Allele frequency attached by ClinVar (database versions not stated): ExAC 0.00001; 1000 Genomes Project 0.00020; 1000 Genomes Project 30x 0.00031.
gnomAD v4.1: 21 of 1,614,100 alleles (0.0013%); highest among the groups gnomAD compares: East Asian, 0.0067%; 1 homozygote.

Submissions (2):

Labcorp Genetics (formerly Invitae), Labcorp
Classification: Uncertain significance. Last evaluated: 2025-01-13. Review status: criteria provided, single submitter. Criteria: Invitae Variant Classification Sherloc (09022015). Collection method: clinical testing. Allele origin: germline.
Comment: This sequence change replaces alanine, which is neutral and non-polar, with valine, which is neutral and non-polar, at codon 567 of the ACOX2 protein (p.Ala567Val). This variant is present in population databases (rs538107717, gnomAD 0.007%). This variant has not been reported in the literature in individuals affected with ACOX2-related conditions. ClinVar contains an entry for this variant (Variation ID: 2191149). Invitae Evidence Modeling of protein sequence and biophysical properties (such as structural, functional, and spatial information, amino acid conservation, physicochemical variation, residue mobility, and thermodynamic stability) indicates that this missense variant is not expected to disrupt ACOX2 protein function with a negative predictive value of 80%. In summary, the available evidence is currently insufficient to determine the role of this variant in disease. Therefore, it has been classified as a Variant of Uncertain Significance.

PreventionGenetics, part of Exact Sciences
Classification: Uncertain significance for ACOX2-related condition. Last evaluated: 2024-05-27. Review status: no assertion criteria provided. Collection method: clinical testing. Allele origin: germline. Not counted in ClinVar's aggregate classification.
Comment: The ACOX2 c.1700C>T variant is predicted to result in the amino acid substitution p.Ala567Val. To our knowledge, this variant has not been reported in the literature. This variant is reported in 0.0062% of alleles in individuals of African descent in gnomAD. At this time, the clinical significance of this variant is uncertain due to the absence of conclusive functional and genetic evidence.